The following is an entry in ClinVar:

NM_000264.5(PTCH1):c.52_57del (p.Ser18_Gly19del)

Genes: PTCH1 (patched 1; minus strand), LOC130002133 (ATAC-STARR-seq lymphoblastoid silent region 20071; plus strand). Cytogenetic location: 9q22.32.
Variant type: Deletion.
Coding change: c.52_57del on transcript NM_000264.5 (MANE Select); coding-DNA positions 52 to 57, 6 bases deleted (AGCGGC; older notation c.52_57delAGCGGC).
Protein change: p.Ser18_Gly19del.
Molecular consequence: inframe deletion. On other transcripts: non-coding transcript variant (1), intron variant (3).
Genome position (GRCh38, 1-based): chr9:95,508,305-95,508,310, GCCGCT deleted on the plus strand (AGCGGC on the coding strand, the reverse complement: PTCH1 is on the minus strand); deleting any 6 consecutive bases within chr9:95,508,305-95,508,315 gives the same sequence; the c. name uses the placement nearest the transcript's 3' end. VCF-style (leftmost placement, unchanged base first): chr9-95508304-AGCCGCT-A. GRCh37 (hg19) VCF-style: chr9-98270586-AGCCGCT-A.
Other names: c.52_57delAGCGGC (NM_000264.3); c.52_57del, p.Ser18_Gly19del (NM_001354918.2); c.199-1711_199-1706del (NM_001083603.3); c.4-1711_4-1706del (NM_001083602.3, NM_001354919.2).
Identifiers: ClinVar variation 2420575 (VCV002420575.12), dbSNP rs1554709549, ClinGen allele CA2580080743.
Genomic context (GRCh38, chr9:95,508,304, plus strand): 5'-GCAGCCCCCCCGTCCGTCTGCGCCTCCCGCCTCCAGCCGGCCGTCCCGGGGCACCGATAC[AGCCGCT>A]GCCGCCGCCGCCGCGGTCCTGGGGCTCGGCGGCGTTACCAGCCGAGGCCATGTTGCCGCC-3'

ClinVar aggregate classification (germline): Uncertain significance. Review status: criteria provided, multiple submitters, no conflicts (2 of 4 stars). 3 submissions from 3 submitters: Uncertain significance (3). Last evaluated 2025-01-30.

Conditions:
Hereditary cancer-predisposing syndrome. Also called: Hereditary neoplastic syndrome; Tumor predisposition; Neoplastic Syndromes, Hereditary; Hereditary Cancer Syndrome. Identifiers: Orphanet 140162, MedGen C0027672, MeSH D009386, MONDO:0015356.
Gorlin syndrome. Also called: Nevoid Basal Cell Carcinoma Syndrome; Basal cell nevus syndrome. Identifiers: Orphanet 377, MedGen C0004779, MONDO:0007187.
Basal cell carcinoma, susceptibility to, 1. Also called: BCC1. Identifiers: MedGen C2751544, MONDO:0011556, OMIM 605462.

Submissions (3):

Ambry Genetics
Classification: Uncertain significance for Hereditary cancer-predisposing syndrome. Last evaluated: 2025-01-30. Review status: criteria provided, single submitter. Criteria: Ambry Variant Classification Scheme 2023. Collection method: clinical testing. Allele origin: germline.
Comment: The c.52_57delAGCGGC variant (also known as p.S18_G19del) is located in coding exon 1 of the PTCH1 gene. This variant results from an in-frame AGCGGC deletion at nucleotide positions 52 to 57. This results in the in-frame deletion of two amino acids at codons 18 and 19. This amino acid region is not well conserved in available vertebrate species. In addition, this alteration is predicted to be neutral by in silico analysis (Choi Y et al. PLoS ONE. 2012; 7(10):e46688). Since supporting evidence is limited at this time, the clinical significance of this alteration remains unclear.

Baylor Genetics
Classification: Uncertain significance for Basal cell carcinoma, susceptibility to, 1. Last evaluated: 2023-08-09. Review status: criteria provided, single submitter. Criteria: ACMG Guidelines, 2015. Collection method: clinical testing. Allele origin: unknown.

Labcorp Genetics (formerly Invitae), Labcorp
Classification: Uncertain significance for Gorlin syndrome. Last evaluated: 2021-12-11. Review status: criteria provided, single submitter. Criteria: Invitae Variant Classification Sherloc (09022015). Collection method: clinical testing. Allele origin: germline.
Comment: In summary, the available evidence is currently insufficient to determine the role of this variant in disease. Therefore, it has been classified as a Variant of Uncertain Significance. Experimental studies and prediction algorithms are not available or were not evaluated, and the functional significance of this variant is currently unknown. This variant has not been reported in the literature in individuals affected with PTCH1-related conditions. This variant is not present in population databases (gnomAD no frequency). This variant, c.52_57del, results in the deletion of 2 amino acid(s) of the PTCH1 protein (p.Ser18_Gly19del), but otherwise preserves the integrity of the reading frame.